The following is an entry in ClinVar:

NM_001371928.1(AHDC1):c.2565del (p.Phe855fs)

Gene: AHDC1 (AT-hook DNA binding motif containing 1; minus strand). Cytogenetic location: 1p36.11.
Variant type: Deletion.
Coding change: c.2565del on transcript NM_001371928.1 (MANE Select); coding-DNA position 2565, one base deleted (T; older notation c.2565delT).
Protein change: p.Phe855fs; shifts the reading frame from phenylalanine 855.
Molecular consequence: frameshift variant.
Genome position (GRCh38, 1-based): chr1:27,549,551, A deleted on the plus strand (T on the coding strand, the reverse complement: AHDC1 is on the minus strand); the first of 3 consecutive A bases (chr1:27,549,551-27,549,553); deleting any one gives the same sequence. VCF-style (leftmost placement, unchanged base first): chr1-27549550-CA-C. GRCh37 (hg19) VCF-style: chr1-27876061-CA-C.
Other names: c.2565del, p.Phe855fs (NM_001029882.3); short protein forms F855fs.
Identifiers: ClinVar variation 4294432 (VCV004294432.1).

ClinVar aggregate classification (germline): Likely pathogenic (1 of 4 stars; one submission).

Conditions:
AHDC1-related intellectual disability - obstructive sleep apnea - mild dysmorphism syndrome. Also called: Xia-Gibbs syndrome. Identifiers: Orphanet 412069, MedGen C4014419, MONDO:0014358, OMIM 615829.

Submission:

Molecular Genetics Department, Kulakov National Medical Research Center for Obstetrics, Gynecology and Perinatology
Classification: Likely pathogenic for AHDC1-related intellectual disability - obstructive sleep apnea - mild dysmorphism syndrome. Review status: criteria provided, single submitter. Criteria: ACMG Guidelines, 2015. Collection method: clinical testing. Allele origin: de novo. Affected: yes. Observed: 1 variant allele.
Comment: A previously undescribed heterozygous nucleotide variant creates a frameshift p.Phe855LeufsTer77 in the AHDC1 gene. Heterozygous variants of this type are reported in patients with Xia-Gibbs syndrome, 615829. The variant is not present in population database (gnomAD no frequency). Sanger sequencing revealed that the variant arose de novo (parentage confirmed). In summary, the currently available evidence indicates that the variant is pathogenic, but additional data are needed to prove that conclusively. Therefore, this variant has been classified as likely pathogenic.